The following is an entry in ClinVar:

NM_013339.4(ALG6):c.924C>A (p.Ser308Arg)

Gene: ALG6 (ALG6 alpha-1,3-glucosyltransferase; plus strand). Cytogenetic location: 1p31.3.
Variant type: single nucleotide variant.
Coding change: c.924C>A on transcript NM_013339.4 (MANE Select); coding-DNA position 924, C replaced by A.
Protein change: p.Ser308Arg; replaces serine 308 with arginine.
Molecular consequence: missense variant.
Genome position (GRCh38, 1-based): chr1:63,415,894, C>A. VCF-style: chr1-63415894-C-A. GRCh37 (hg19) VCF-style: chr1-63881565-C-A.
Other names: short protein forms S308R.
Identifiers: ClinVar variation 2733902 (VCV002733902.4), dbSNP rs2523760621, ClinGen allele CA340637567.

ClinVar aggregate classification (germline): Conflicting classifications of pathogenicity. Review status: criteria provided, conflicting classifications (1 of 4 stars). 2 submissions from 2 submitters: Likely pathogenic (1); Uncertain significance (1). Last evaluated 2025-09-19.

Conditions:
ALG6-congenital disorder of glycosylation 1C (CDG1C). Also called: CDG Ic; CARBOHYDRATE-DEFICIENT GLYCOPROTEIN SYNDROME, TYPE I, WITH DEFICIENT GLYCOSYLATION OF DOLICHOL-LINKED OLIGOSACCHARIDE; CARBOHYDRATE-DEFICIENT GLYCOPROTEIN SYNDROME, TYPE V; Congenital disorder of glycosylation type 1C; Congenital disorder of glycosylation, type Ic. Identifiers: Orphanet 79320, MedGen C2930997, MONDO:0011291, OMIM 603147.

gnomAD v4.1: 9 of 1,610,946 alleles (0.00056%); highest among the groups gnomAD compares: Non-Finnish European, 0.00076%; no homozygotes.

Submissions (2):

Myriad Genetics, Inc.
Classification: Uncertain significance for ALG6-congenital disorder of glycosylation 1C. Last evaluated: 2025-09-19. Review status: criteria provided, single submitter. Criteria: Myriad Autosomal Dominant, Autosomal Recessive and X-Linked Classification Criteria (2023). Collection method: clinical testing. Allele origin: unknown.
Comment: NM_013339.3(ALG6):c.924C>A(S308R) is a missense variant classified as a variant of uncertain significance in the context of congenital disorder of glycosylation, ALG6-related. S308R has been observed in a case with relevant disease (PMID: 11106564). Relevant functional assessments of this variant are available in the literature (PMID: 25792706). S308R has not been observed in referenced population frequency databases. In summary, there is insufficient evidence to classify NM_013339.3(ALG6):c.924C>A(S308R) as pathogenic or benign. Please note: this variant was assessed in the context of healthy population screening.

Labcorp Genetics (formerly Invitae), Labcorp
Classification: Likely pathogenic for ALG6-congenital disorder of glycosylation 1C. Last evaluated: 2023-07-19. Review status: criteria provided, single submitter. Criteria: Invitae Variant Classification Sherloc (09022015). Collection method: clinical testing. Allele origin: germline.
Comment: This missense change has been observed in individual(s) with congenital disorder of glycosylation type 1c (PMID: 11106564). In at least one individual the data is consistent with being in trans (on the opposite chromosome) from a pathogenic variant. Advanced modeling of protein sequence and biophysical properties (such as structural, functional, and spatial information, amino acid conservation, physicochemical variation, residue mobility, and thermodynamic stability) performed at Invitae indicates that this missense variant is expected to disrupt ALG6 protein function. Experimental studies have shown that this missense change affects ALG6 function (PMID: 11106564). In summary, the currently available evidence indicates that the variant is pathogenic, but additional data are needed to prove that conclusively. Therefore, this variant has been classified as Likely Pathogenic. This variant is not present in population databases (gnomAD no frequency). This sequence change replaces serine, which is neutral and polar, with arginine, which is basic and polar, at codon 308 of the ALG6 protein (p.Ser308Arg).

Literature cited by the submitters: PubMed 11106564 (cited by Myriad Genetics, Inc. and Labcorp Genetics (formerly Invitae), Labcorp); PubMed 25792706 (cited by Myriad Genetics, Inc.).